The following is an entry in ClinVar:

ClinVar aggregate classification (germline): Benign (0 of 4 stars; one submission).

Conditions:
PEAK1-related disorder. Also called: PEAK1-related condition.

Allele frequency attached by ClinVar (database versions not stated): ExAC 0.00209; ESP Exome Variant Server 0.00556; 1000 Genomes Project 0.00659; 1000 Genomes Project 30x 0.00734.
gnomAD v4.1: 2,424 of 1,614,206 alleles (0.15%); highest among the groups gnomAD compares: African/African-American, 1.8%; 13 homozygotes.

Submission:

PreventionGenetics, part of Exact Sciences
Classification: Benign for PEAK1-related condition. Last evaluated: 2019-07-25. Review status: no assertion criteria provided. Collection method: clinical testing. Allele origin: germline.
Comment: This variant is classified as benign based on ACMG/AMP sequence variant interpretation guidelines (Richards et al. 2015 PMID: 25741868, with internal and published modifications).

NM_001385026.1(PEAK1):c.3579C>T (p.Asn1193=)

Gene: PEAK1 (pseudopodium enriched atypical kinase 1; minus strand). Cytogenetic location: 15q24.3.
Variant type: single nucleotide variant.
Coding change: c.3579C>T on transcript NM_001385026.1 (MANE Select); coding-DNA position 3579, C replaced by T.
Protein change: p.Asn1193=; no amino-acid change (asparagine 1193 retained).
Molecular consequence: synonymous variant.
Genome position (GRCh38, 1-based): chr15:77,133,503, G>A on the plus strand (C>T on the coding strand, the complement: PEAK1 is on the minus strand). VCF-style: chr15-77133503-G-A. GRCh37 (hg19) VCF-style: chr15-77425845-G-A.
Other names: c.3579C>T, p.Asn1193= (NM_001387085.1, NM_001387086.1, NM_024776.5).
Identifiers: ClinVar variation 3050261 (VCV003050261.2), dbSNP rs77545975, ClinGen allele CA7676747.